The following is an entry in ClinVar:

NM_000204.5(CFI):c.1287C>G (p.Asp429Glu)

Gene: CFI (complement factor I; minus strand). Cytogenetic location: 4q25.
Variant type: single nucleotide variant.
Coding change: c.1287C>G on transcript NM_000204.5 (MANE Select); coding-DNA position 1287, C replaced by G.
Protein change: p.Asp429Glu; replaces aspartic acid 429 with glutamic acid.
Molecular consequence: missense variant. On other transcripts: non-coding transcript variant (2).
Genome position (GRCh38, 1-based): chr4:109,746,364, G>C on the plus strand (C>G on the coding strand, the complement: CFI is on the minus strand). VCF-style: chr4-109746364-G-C. GRCh37 (hg19) VCF-style: chr4-110667520-G-C.
Other names: c.1311C>G, p.Asp437Glu (NM_001318057.2, NM_001375278.1, NM_001440988.1); c.1266C>G, p.Asp422Glu (NM_001331035.2, NM_001375280.1, NM_001375282.1 and 1 more transcripts); c.1287C>G, p.Asp429Glu (NM_001375279.1, NM_001375281.1, NM_001440989.1); c.1230C>G, p.Asp410Glu (NM_001375283.1); c.678C>G, p.Asp226Glu (NM_001375284.1); c.1308C>G, p.Asp436Glu (NM_001440985.1, NM_001440986.1); short protein forms D226E, D410E, D422E, D429E, D436E, D437E.
Identifiers: ClinVar variation 4280458 (VCV004280458.1).

ClinVar aggregate classification (germline): Likely pathogenic, low penetrance (1 of 4 stars; one submission).

Conditions:
CFI-related disorder. Also called: CFI-related condition; CFI-related disorders. Identifiers: MedGen CN239325.

Submission:

Genomenon, Inc
Classification: Likely pathogenic, low penetrance for CFI-related disorder. Last evaluated: 2025-09-26. Review status: criteria provided, single submitter. Criteria: Genomenon Sequence Variant Interpretation Standards - Updated. Collection method: curation. Allele origin: germline. Affected: no.
Comment: CFI p.Asp429Glu (c.1287C>G) is a missense variant that changes the amino acid at residue 429 from Aspartic acid to Glutamic acid. To our knowledge, this variant has not been reported in patients affected with CFI-related disorders in the published literature. At least one functional study has demonstrated a substantial alteration in protein function relative to the wild-type (PMID:32510551). It is absent or not present at a significant frequency in gnomAD. In silico models agree that this variant is possibly or probably damaging. In conclusion, we classify CFI p.Asp429Glu (c.1287C>G) as a likely pathogenic, low penetrance variant.

Literature cited by the submitters: PubMed 32510551.